The following is an entry in ClinVar:

NM_007214.5(SEC63):c.1605A>C (p.Lys535Asn)

Gene: SEC63 (SEC63 protein translocation regulator; minus strand). Cytogenetic location: 6q21.
Variant type: single nucleotide variant.
Coding change: c.1605A>C on transcript NM_007214.5 (MANE Select); coding-DNA position 1605, A replaced by C.
Protein change: p.Lys535Asn; replaces lysine 535 with asparagine.
Molecular consequence: missense variant.
Genome position (GRCh38, 1-based): chr6:107,893,551, T>G on the plus strand (A>C on the coding strand, the complement: SEC63 is on the minus strand). VCF-style: chr6-107893551-T-G. GRCh37 (hg19) VCF-style: chr6-108214755-T-G.
Other names: c.1605A>C (NM_007214.4); short protein forms K535N.
Identifiers: ClinVar variation 2310231 (VCV002310231.10), dbSNP rs755042958, ClinGen allele CA3947326.

ClinVar aggregate classification (germline): Uncertain significance. Review status: criteria provided, multiple submitters, no conflicts (2 of 4 stars). 4 submissions from 4 submitters: Uncertain significance (4). Last evaluated 2024-02-15.

Conditions:
Polycystic liver disease 2 (PCLD2). Also called: Polycystic liver disease 2 with or without kidney cysts. Identifiers: Orphanet 2924, MedGen C4310769, MONDO:0014860, OMIM 617004.
Inborn genetic diseases. Identifiers: MedGen C0950123, MeSH D030342.

Allele frequency attached by ClinVar (database versions not stated): ExAC 0.00003; gnomAD 0.00003; TOPMed 0.00003.
gnomAD v4.1: 21 of 1,563,490 alleles (0.0013%); highest among the groups gnomAD compares: Admixed American, 0.0072%; no homozygotes.

Submissions (4):

Fulgent Genetics
Classification: Uncertain significance for Polycystic liver disease 2. Last evaluated: 2024-02-15. Review status: criteria provided, single submitter. Criteria: ACMG Guidelines, 2015. Collection method: clinical testing. Allele origin: germline.

Victorian Clinical Genetics Services, Murdoch Childrens Research Institute
Classification: Uncertain significance for Polycystic liver disease 2. Last evaluated: 2023-07-17. Review status: criteria provided, single submitter. Criteria: ACMG Guidelines, 2015. Collection method: clinical testing. Allele origin: germline. Inheritance: Autosomal dominant inheritance. Affected: yes.
Comment: Based on the classification scheme VCGS_Germline_v1.3.4, this variant is classified as 3C. Following criteria are met: 0102 - Loss of function is a known mechanism of disease in this gene and is associated with polycystic liver disease 2 (MIM#617004). (I) 0107 - This gene is associated with autosomal dominant disease. (I) 0115 - Variants in this gene are known to have variable expressivity. Individuals with the same variant have been shown to have variable severity (PMID: 20095989). (I) 0200 - Variant is predicted to result in a missense amino acid change from lysine to asparagine. (I) 0251 - This variant is heterozygous. (I) 0302 - Variant is present in gnomAD <0.001 for a dominant condition (v2: 9 heterozygotes, 0 homozygote). (SP) 0502 - Missense variant with conflicting in silico predictions and high conservation. (I) 0604 - Variant is not located in an established domain, motif, hotspot or informative constraint region. (I) 0705 - No comparable missense variants have previous evidence for pathogenicity. (I) 0807 - This variant has no previous evidence of pathogenicity. (I) 0905 - No published segregation evidence has been identified for this variant. (I) 1007 - No published functional evidence has been identified for this variant. (I) 1208 - Inheritance information for this variant is not currently available in this individual. (I) Legend: (SP) - Supporting pathogenic, (I) - Information, (SB) - Supporting benign

Labcorp Genetics (formerly Invitae), Labcorp
Classification: Uncertain significance. Last evaluated: 2023-07-07. Review status: criteria provided, single submitter. Criteria: Invitae Variant Classification Sherloc (09022015). Collection method: clinical testing. Allele origin: germline.
Comment: This sequence change replaces lysine, which is basic and polar, with asparagine, which is neutral and polar, at codon 535 of the SEC63 protein (p.Lys535Asn). The frequency data for this variant in the population databases is considered unreliable, as metrics indicate poor data quality at this position in the gnomAD database. This variant has not been reported in the literature in individuals affected with SEC63-related conditions. ClinVar contains an entry for this variant (Variation ID: 2310231). An algorithm developed to predict the effect of missense changes on protein structure and function (PolyPhen-2) suggests that this variant is likely to be tolerated. In summary, the available evidence is currently insufficient to determine the role of this variant in disease. Therefore, it has been classified as a Variant of Uncertain Significance.

Ambry Genetics
Classification: Uncertain significance for Inborn genetic diseases. Last evaluated: 2022-09-06. Review status: criteria provided, single submitter. Criteria: Ambry Variant Classification Scheme 2023. Collection method: clinical testing. Allele origin: germline.

Literature cited by the submitters: PubMed 20095989 (cited by Victorian Clinical Genetics Services, Murdoch Childrens Research Institute).